The following is an entry in ClinVar:

NM_001013838.3(CARMIL2):c.2270G>A (p.Arg757His)

Gene: CARMIL2 (capping protein regulator and myosin 1 linker 2; plus strand). Cytogenetic location: 16q22.1.
Variant type: single nucleotide variant.
Coding change: c.2270G>A on transcript NM_001013838.3 (MANE Select); coding-DNA position 2270, G replaced by A.
Protein change: p.Arg757His; replaces arginine 757 with histidine.
Molecular consequence: missense variant.
Genome position (GRCh38, 1-based): chr16:67,651,272, G>A. VCF-style: chr16-67651272-G-A. GRCh37 (hg19) VCF-style: chr16-67685175-G-A.
Other names: c.2162G>A, p.Arg721His (NM_001317026.3); short protein forms R721H, R757H.
Identifiers: ClinVar variation 2177572 (VCV002177572.2), dbSNP rs375188884, ClinGen allele CA8113732.
Genomic context (GRCh38, chr16:67,651,272, plus strand): 5'-TGCAGGAGCATGTGGAGCTGCTGGGCTGTGGGGCTGGGCCCCAGGGTGAAGCCGCTGTGC[G>A]CCAGGCCGAGGATGCCATCCAAAATGCCAACTTCTCTCTCAGCGTGAGCACTCCCCCTCC-3'
Protein context (NP_001013860.1, residues 747-767): GAGPQGEAAV[Arg757His]QAEDAIQNAN

ClinVar aggregate classification (germline): Uncertain significance (1 of 4 stars; one submission).

Allele frequency attached by ClinVar (database versions not stated): gnomAD 0.00001; TOPMed 0.00006; ExAC 0.00007; ESP Exome Variant Server 0.00008.
gnomAD v4.1: 21 of 1,613,406 alleles (0.0013%); highest among the groups gnomAD compares: East Asian, 0.016%; no homozygotes.

Submission:

Labcorp Genetics (formerly Invitae), Labcorp
Classification: Uncertain significance. Last evaluated: 2024-10-24. Review status: criteria provided, single submitter. Criteria: Invitae Variant Classification Sherloc (09022015). Collection method: clinical testing. Allele origin: germline.
Comment: This sequence change replaces arginine, which is basic and polar, with histidine, which is basic and polar, at codon 757 of the CARMIL2 protein (p.Arg757His). This variant is present in population databases (rs375188884, gnomAD 0.04%). This variant has not been reported in the literature in individuals affected with CARMIL2-related conditions. ClinVar contains an entry for this variant (Variation ID: 2177572). Invitae Evidence Modeling of protein sequence and biophysical properties (such as structural, functional, and spatial information, amino acid conservation, physicochemical variation, residue mobility, and thermodynamic stability) indicates that this missense variant is not expected to disrupt CARMIL2 protein function with a negative predictive value of 80%. In summary, the available evidence is currently insufficient to determine the role of this variant in disease. Therefore, it has been classified as a Variant of Uncertain Significance.